The following is an entry in ClinVar:

NM_000384.3(APOB):c.10872T>G (p.Ala3624=)

Gene: APOB (apolipoprotein B; minus strand). Cytogenetic location: 2p24.1.
Variant type: single nucleotide variant.
Coding change: c.10872T>G on transcript NM_000384.3 (MANE Select); coding-DNA position 10872, T replaced by G.
Protein change: p.Ala3624=; no amino-acid change (alanine 3624 retained).
Molecular consequence: synonymous variant.
Genome position (GRCh38, 1-based): chr2:21,005,996, A>C on the plus strand (T>G on the coding strand, the complement: APOB is on the minus strand). VCF-style: chr2-21005996-A-C. GRCh37 (hg19) VCF-style: chr2-21228868-A-C.
Identifiers: ClinVar variation 4077004 (VCV004077004.1).

ClinVar aggregate classification (germline): Likely benign (1 of 4 stars; one submission).

Conditions:
Familial hypercholesterolemia. Also called: Familial hypercholesterolaemia. Identifiers: MedGen C0020445, MONDO:0005439.

gnomAD v4.1: 1 of 1,613,946 alleles (0.000062%); highest among the groups gnomAD compares: Non-Finnish European, 0.000085%; no homozygotes.

Submission:

GENinCode PLC
Classification: Likely benign for Familial hypercholesterolemia. Last evaluated: 2025-02-24. Review status: criteria provided, single submitter. Criteria: ACMG Guidelines, 2015. Collection method: clinical testing. Allele origin: germline.
Comment: This is a synonymous (silent) variant that is not predicted to impact splicing and occurs at a nucleotide which is not highly conserved. This variant has been classified as Likely Benign (BP4, BP7).